The following is an entry in ClinVar:

NM_030773.4(TUBB1):c.726C>G (p.Phe242Leu)

Gene: TUBB1 (tubulin beta 1 class VI; plus strand). Cytogenetic location: 20q13.32.
Variant type: single nucleotide variant.
Coding change: c.726C>G on transcript NM_030773.4 (MANE Select); coding-DNA position 726, C replaced by G.
Protein change: p.Phe242Leu; replaces phenylalanine 242 with leucine.
Molecular consequence: missense variant.
Genome position (GRCh38, 1-based): chr20:59,024,153, C>G. VCF-style: chr20-59024153-C-G. GRCh37 (hg19) VCF-style: chr20-57599208-C-G.
Other names: short protein forms F242L.
Identifiers: ClinVar variation 1684388 (VCV001684388.1), dbSNP rs890185415, ClinGen allele CA316329297.

ClinVar aggregate classification (germline): Likely pathogenic (0 of 4 stars; one submission).

Conditions:
Macrothrombocytopenia, isolated, 1, autosomal dominant (MACTHC1). Also called: Autosomal dominant macrothrombocytopenia TUBB1-related. Identifiers: Orphanet 140957, MedGen C5676892, MONDO:0800047, OMIM 613112.

Allele frequency attached by ClinVar (database versions not stated): gnomAD 0.00001; TOPMed 0.00002.
gnomAD v4.1: 2 of 1,614,128 alleles (0.00012%); highest among the groups gnomAD compares: Admixed American, 0.0017%; no homozygotes.

Submission:

ISTH-SSC Genomics in Thrombosis and Hemostasis, KU Leuven, Center for Molecular and Vascular Biology
Classification: Likely pathogenic for Macrothrombocytopenia, isolated, 1, autosomal dominant. Review status: no assertion criteria provided. Collection method: clinical testing. Allele origin: unknown. Affected: yes.
Comment: Submitted to GoldVariant by Bilal Jradeh from Katharine Dormandy Haemophilia and Thrombosis Centre, Royal Free Hospital, London, UK